The following is an entry in ClinVar:

NM_003072.5(SMARCA4):c.781C>T (p.Pro261Ser)

Gene: SMARCA4 (SWI/SNF related BAF chromatin remodeling complex subunit ATPase 4; plus strand). Cytogenetic location: 19p13.2.
Variant type: single nucleotide variant.
Coding change: c.781C>T on transcript NM_003072.5 (MANE Select); coding-DNA position 781, C replaced by T.
Protein change: p.Pro261Ser; replaces proline 261 with serine.
Molecular consequence: missense variant. On other transcripts: non-coding transcript variant (1).
Genome position (GRCh38, 1-based): chr19:10,986,925, C>T. VCF-style: chr19-10986925-C-T. GRCh37 (hg19) VCF-style: chr19-11097601-C-T.
Other names: c.781C>T (NM_001128849.1); c.781C>T, p.Pro261Ser (NM_001128844.3, NM_001128845.2, NM_001128846.2 and 6 more transcripts); short protein forms P261S.
Identifiers: ClinVar variation 3636838 (VCV003636838.3).

ClinVar aggregate classification (germline): Uncertain significance. Review status: criteria provided, multiple submitters, no conflicts (2 of 4 stars). 2 submissions from 2 submitters: Uncertain significance (2). Last evaluated 2025-08-07.

Conditions:
Hereditary cancer-predisposing syndrome. Also called: Hereditary neoplastic syndrome; Tumor predisposition; Hereditary Cancer Syndrome; Neoplastic Syndromes, Hereditary. Identifiers: Orphanet 140162, MedGen C0027672, MeSH D009386, MONDO:0015356.
Rhabdoid tumor predisposition syndrome 2 (RTPS2). Identifiers: Orphanet 231108, Orphanet 69077, MedGen C2750074, MONDO:0013224, OMIM 613325.

Submissions (2):

Ambry Genetics
Classification: Uncertain significance for Hereditary cancer-predisposing syndrome. Last evaluated: 2025-08-07. Review status: criteria provided, single submitter. Criteria: Ambry Variant Classification Scheme 2023. Collection method: clinical testing. Allele origin: germline.
Comment: The p.P261S variant (also known as c.781C>T), located in coding exon 4 of the SMARCA4 gene, results from a C to T substitution at nucleotide position 781. The proline at codon 261 is replaced by serine, an amino acid with similar properties. This amino acid position is conserved. In addition, this alteration is predicted to be tolerated by in silico analysis. Based on the available evidence, the clinical significance of this variant remains unclear.

Labcorp Genetics (formerly Invitae), Labcorp
Classification: Uncertain significance for Rhabdoid tumor predisposition syndrome 2. Last evaluated: 2024-11-22. Review status: criteria provided, single submitter. Criteria: Invitae Variant Classification Sherloc (09022015). Collection method: clinical testing. Allele origin: germline.
Comment: This sequence change replaces proline, which is neutral and non-polar, with serine, which is neutral and polar, at codon 261 of the SMARCA4 protein (p.Pro261Ser). This variant is not present in population databases (gnomAD no frequency). This variant has not been reported in the literature in individuals affected with SMARCA4-related conditions. An algorithm developed to predict the effect of missense changes on protein structure and function (PolyPhen-2) suggests that this variant is likely to be tolerated. In summary, the available evidence is currently insufficient to determine the role of this variant in disease. Therefore, it has been classified as a Variant of Uncertain Significance.